The following is an entry in ClinVar:

NM_000284.4(PDHA1):c.905G>T (p.Arg302Leu)

Gene: PDHA1 (pyruvate dehydrogenase E1 subunit alpha 1; plus strand). Cytogenetic location: Xp22.12.
Variant type: single nucleotide variant.
Coding change: c.905G>T on transcript NM_000284.4 (MANE Select); coding-DNA position 905, G replaced by T.
Protein change: p.Arg302Leu; replaces arginine 302 with leucine.
Molecular consequence: missense variant.
Genome position (GRCh38, 1-based): chrX:19,358,921, G>T. VCF-style: chrX-19358921-G-T. GRCh37 (hg19) VCF-style: chrX-19377039-G-T.
Other names: c.1019G>T, p.Arg340Leu (NM_001173454.2); c.926G>T, p.Arg309Leu (NM_001173455.2); c.812G>T, p.Arg271Leu (NM_001173456.2); short protein forms R271L, R302L, R309L, R340L.
Identifiers: ClinVar variation 4070397 (VCV004070397.1).

ClinVar aggregate classification (germline): Pathogenic (0 of 4 stars; one submission).

Conditions:
Pyruvate dehydrogenase E1-alpha deficiency (PDHAD). Also called: ATAXIA, INTERMITTENT, WITH PYRUVATE DEHYDROGENASE DEFICIENCY; ATAXIA WITH LACTIC ACIDOSIS I; ATAXIA, INTERMITTENT, WITH ABNORMAL PYRUVATE METABOLISM; Ataxia, intermittent, with pyruvate dehydrogenase, or decarboxylase, deficiency. Identifiers: Orphanet 79243, MedGen C1839413, MONDO:0010717, OMIM 312170.

Submission:

PDHA1 Study Group, University Children’s Hospital, Paracelsus Medical University
Classification: Pathogenic for Pyruvate dehydrogenase E1-alpha deficiency. Last evaluated: 2024-10-15. Review status: no assertion criteria provided. Collection method: research. Allele origin: de novo. Affected: yes. Observed: 1 variant allele.
Comment: The NM_000284.3:c.905G>T (p.Arg302Leu) substitution is a missense variant in PDHA1 gene. Among them, 1 case had confirmed de novo occurrence. The variant has been reported in 1 published case (PMIDs: 10679936, 11870584). Last literature search: July 12, 2024. This variant is absent or extremely rare in population-based cohorts in the Genome Aggregation Database (gnomAD). Individuals harboring this variant presented with clinical features compatible with PDHA1-related PDHc deficiency. In summary, this variant meets criteria to be classified as pathogenic (P) for PDHA1-related PDHc deficiency based on the ACMG/AMP criteria applied: PS3, PM1, PM2, PM5, PM7, PP3 (last assessment October 15, 2024).

Literature cited by the submitters: PubMed 10679936; PubMed 11870584; DOI 10.1093/brain/awaf430.